The following is an entry in ClinVar:

ClinVar aggregate classification (germline): Uncertain significance. Review status: criteria provided, multiple submitters, no conflicts (2 of 4 stars). 3 submissions from 3 submitters: Uncertain significance (3). Last evaluated 2025-03-18.

Conditions:
Inborn genetic diseases. Identifiers: MedGen C0950123, MeSH D030342.

Allele frequency attached by ClinVar (database versions not stated): gnomAD exomes below 0.00001 and 0.00001; TOPMed 0.00001.

Submissions (3):

GeneDx
Classification: Uncertain significance. Last evaluated: 2025-03-18. Review status: criteria provided, single submitter. Criteria: GeneDx Variant Classification Process June 2021. Collection method: clinical testing. Allele origin: germline. Affected: yes.
Comment: Not observed at significant frequency in large population cohorts (gnomAD); In silico analysis supports that this missense variant has a deleterious effect on protein structure/function; Has not been previously published as pathogenic or benign to our knowledge

Ambry Genetics
Classification: Uncertain significance for Inborn genetic diseases. Last evaluated: 2022-11-10. Review status: criteria provided, single submitter. Criteria: Ambry Variant Classification Scheme 2023. Collection method: clinical testing. Allele origin: germline.

Women's Health and Genetics/Laboratory Corporation of America, LabCorp
Classification: Uncertain significance. Last evaluated: 2022-05-03. Review status: criteria provided, single submitter. Criteria: LabCorp Variant Classification Summary - May 2015. Collection method: clinical testing. Allele origin: germline.

NM_001931.5(DLAT):c.1345T>C (p.Ser449Pro)

Gene: DLAT (dihydrolipoamide S-acetyltransferase; plus strand). Cytogenetic location: 11q23.1.
Variant type: single nucleotide variant.
Coding change: c.1345T>C on transcript NM_001931.5 (MANE Select); coding-DNA position 1345, T replaced by C.
Protein change: p.Ser449Pro; replaces serine 449 with proline.
Molecular consequence: missense variant. On other transcripts: non-coding transcript variant (1), intron variant (2).
Genome position (GRCh38, 1-based): chr11:112,045,917, T>C. VCF-style: chr11-112045917-T-C. GRCh37 (hg19) VCF-style: chr11-111916641-T-C.
Other names: c.1345T>C, p.Ser449Pro (NM_001372031.1, NM_001372033.1); c.1339T>C, p.Ser447Pro (NM_001372032.1); c.1312T>C, p.Ser438Pro (NM_001372034.1); c.1219T>C, p.Ser407Pro (NM_001372036.1); c.1177T>C, p.Ser393Pro (NM_001372037.1); c.1066T>C, p.Ser356Pro (NM_001372038.1); c.1030T>C, p.Ser344Pro (NM_001372039.1); c.964T>C, p.Ser322Pro (NM_001372040.1); and 3 more; short protein forms S295P, S322P, S344P, S356P, S393P, S407P, S438P, S447P.
Identifiers: ClinVar variation 1696211 (VCV001696211.5), dbSNP rs1555181432, ClinGen allele CA382614389.